The following is an entry in ClinVar:

ClinVar aggregate classification (germline): Benign/Likely benign. Review status: criteria provided, multiple submitters, no conflicts (2 of 4 stars). 3 submissions from 3 submitters: Benign (1); Likely benign (2). Last evaluated 2025-05-22.

Conditions:
Hereditary cancer-predisposing syndrome. Also called: Tumor predisposition; Hereditary Cancer Syndrome; Hereditary neoplastic syndrome; Neoplastic Syndromes, Hereditary. Identifiers: Orphanet 140162, MedGen C0027672, MeSH D009386, MONDO:0015356.
Hereditary diffuse gastric adenocarcinoma (HDGC). Also called: DIFFUSE GASTRIC AND LOBULAR BREAST CANCER SYNDROME. Identifiers: Orphanet 26106, MedGen C1708349, MONDO:0007648, OMIM 137215.

Submissions (3):

Labcorp Genetics (formerly Invitae), Labcorp
Classification: Likely benign. Last evaluated: 2025-05-22. Review status: criteria provided, single submitter. Criteria: Invitae Variant Classification Sherloc (09022015). Collection method: clinical testing. Allele origin: germline.

Myriad Genetics, Inc.
Classification: Benign for Hereditary diffuse gastric adenocarcinoma. Last evaluated: 2024-10-10. Review status: criteria provided, single submitter. Criteria: Myriad Autosomal Dominant, Autosomal Recessive and X-Linked Classification Criteria (2023). Collection method: clinical testing. Allele origin: unknown.
Comment: This variant is considered benign. This variant is a silent/synonymous amino acid change and it is not expected to impact splicing.

Ambry Genetics
Classification: Likely benign for Hereditary cancer-predisposing syndrome. Last evaluated: 2019-09-09. Review status: criteria provided, single submitter. Criteria: Ambry Variant Classification Scheme 2023. Collection method: clinical testing. Allele origin: germline.

NM_001903.5(CTNNA1):c.1026G>A (p.Gln342=)

Gene: CTNNA1 (catenin alpha 1; plus strand). Cytogenetic location: 5q31.2.
Variant type: single nucleotide variant.
Coding change: c.1026G>A on transcript NM_001903.5 (MANE Select); coding-DNA position 1026, G replaced by A.
Protein change: p.Gln342=; no amino-acid change (glutamine 342 retained).
Molecular consequence: synonymous variant.
Genome position (GRCh38, 1-based): chr5:138,827,682, G>A. VCF-style: chr5-138827682-G-A. GRCh37 (hg19) VCF-style: chr5-138163371-G-A.
Other names: c.1026G>A, p.Gln342= (NM_001290307.3, NM_001323982.2, NM_001323983.1 and 3 more transcripts); c.717G>A, p.Gln239= (NM_001290309.3); c.657G>A, p.Gln219= (NM_001290310.3).
Identifiers: ClinVar variation 1535039 (VCV001535039.11), dbSNP rs2149785999, ClinGen allele CA446595531.